The following is an entry in ClinVar:

ClinVar aggregate classification (germline): Pathogenic (1 of 4 stars; one submission).

Conditions:
Camptomelic dysplasia (CMPD). Also called: Campomelic Dysplasia; CMPD1/SRA1. Identifiers: Orphanet 140, MedGen C1861922, MONDO:0007251, OMIM 114290.

Submission:

Labcorp Genetics (formerly Invitae), Labcorp
Classification: Pathogenic for Camptomelic dysplasia. Last evaluated: 2020-03-25. Review status: criteria provided, single submitter. Criteria: Invitae Variant Classification Sherloc (09022015). Collection method: clinical testing. Allele origin: germline.
Comment: This sequence change results in a frameshift in the SOX9 gene (p.Pro374Alafs*203). While this is not anticipated to result in nonsense mediated decay, it is expected to disrupt the last 136 amino acids of the SOX9 protein and extend the protein by an additional 6 amino acids. This variant is not present in population databases (ExAC no frequency). This variant has not been reported in the literature in individuals with SOX9-related conditions. This variant disrupts the C-terminus of the SOX9 protein. Other variant(s) that disrupt this region (p.Arg394*) have been determined to be pathogenic (Invitae). This suggests that variants that disrupt this region of the protein are likely to be causative of disease. For these reasons, this variant has been classified as Pathogenic.

NM_000346.4(SOX9):c.1116_1117del (p.Pro374fs)

Gene: SOX9 (SRY-box transcription factor 9; plus strand). Cytogenetic location: 17q24.3.
Variant type: Deletion.
Coding change: c.1116_1117del on transcript NM_000346.4 (MANE Select); coding-DNA positions 1116 to 1117, 2 bases deleted (AC; older notation c.1116_1117delAC).
Protein change: p.Pro374fs; shifts the reading frame from proline 374.
Molecular consequence: frameshift variant.
Genome position (GRCh38, 1-based): chr17:72,123,973-72,123,974, AC deleted; deleting any 2 consecutive bases within chr17:72,123,972-72,123,974 gives the same sequence; the c. name uses the placement nearest the transcript's 3' end. VCF-style (leftmost placement, unchanged base first): chr17-72123971-GCA-G. GRCh37 (hg19) VCF-style: chr17-70120112-GCA-G.
Other names: short protein forms P374fs.
Identifiers: ClinVar variation 1071225 (VCV001071225.9), dbSNP rs2143254357, ClinGen allele CA2499224894.